The following is an entry in ClinVar:

ClinVar aggregate classification (germline): Likely benign (1 of 4 stars; one submission).

Allele frequency attached by ClinVar (database versions not stated): gnomAD exomes below 0.00001; gnomAD 0.00001; TOPMed 0.00001; ExAC 0.00002; ESP Exome Variant Server 0.00008.

Submission:

CeGaT Center for Human Genetics Tuebingen
Classification: Likely benign. Last evaluated: 2022-08-01. Review status: criteria provided, single submitter. Criteria: CeGaT Center For Human Genetics Tuebingen Variant Classification Criteria Version 2. Collection method: clinical testing. Allele origin: germline. Affected: yes. Observed: 1 variant allele.
Comment: DOCK8: BP4, BS2

NM_203447.4(DOCK8):c.3306C>T (p.Ser1102=)

Gene: DOCK8 (dedicator of cytokinesis 8; plus strand). Cytogenetic location: 9p24.3.
Variant type: single nucleotide variant.
Coding change: c.3306C>T on transcript NM_203447.4 (MANE Select); coding-DNA position 3306, C replaced by T.
Protein change: p.Ser1102=; no amino-acid change (serine 1102 retained).
Molecular consequence: synonymous variant.
Genome position (GRCh38, 1-based): chr9:404,989, C>T. VCF-style: chr9-404989-C-T. GRCh37 (hg19) VCF-style: chr9-404989-C-T.
Other names: c.3006C>T, p.Ser1002= (NM_001190458.2); c.3102C>T, p.Ser1034= (NM_001193536.2).
Identifiers: ClinVar variation 2659017 (VCV002659017.24), dbSNP rs143112801, ClinGen allele CA4958636.